The following is an entry in ClinVar:

NM_002474.3(MYH11):c.3651+5del

Gene: MYH11 (myosin heavy chain 11; minus strand). Cytogenetic location: 16p13.11.
Variant type: Deletion.
Coding change: c.3651+5del on transcript NM_002474.3 (MANE Select); 5 bases into the intron after coding-DNA position 3651, one base deleted (T; older notation c.3651+5delT).
Molecular consequence: intron variant.
Genome position (GRCh38, 1-based): chr16:15,732,559, A deleted on the plus strand (T on the coding strand, the reverse complement: MYH11 is on the minus strand). VCF-style (leftmost placement, unchanged base first): chr16-15732558-CA-C. GRCh37 (hg19) VCF-style: chr16-15826415-CA-C.
Other names: c.3651+5del (NM_002474.2, NM_022844.3); c.3672+5delT (NM_001040113.1); c.3672+5del (NM_001040114.2, NM_001040113.2).
Identifiers: ClinVar variation 264115 (VCV000264115.23), dbSNP rs201404398, ClinGen allele CA7921944.

ClinVar aggregate classification (germline): Benign. Review status: criteria provided, multiple submitters, no conflicts (2 of 4 stars). 7 submissions from 7 submitters: Benign (6). 1 of the submissions does not count toward it. Last evaluated 2026-03-27.

Conditions:
MYH11-related disorder. Also called: MYH11-related condition.
Familial thoracic aortic aneurysm and aortic dissection (TAAD). Also called: Thoracic aortic aneurysms and dissections. Identifiers: Orphanet 91387, MedGen C4707243, MONDO:0019625.
Aortic aneurysm, familial thoracic 4 (AAT4). Also called: AORTIC ANEURYSM/AORTIC DISSECTION AND PATENT DUCTUS ARTERIOSUS. Identifiers: MedGen C1851504, MONDO:0007568, OMIM 132900.

Allele frequency attached by ClinVar (database versions not stated): gnomAD exomes 0.00101; ExAC 0.00222; gnomAD 0.01081 and 0.01163; ESP Exome Variant Server 0.01214; 1000 Genomes Project 0.01278; 1000 Genomes Project 30x 0.01280.

Submissions (7):

Molecular Diagnostic Laboratory for Inherited Cardiovascular Disease, Montreal Heart Institute
Classification: Benign. Last evaluated: 2026-03-27. Review status: criteria provided, single submitter. Criteria: ACMG Guidelines, 2015. Collection method: clinical testing. Allele origin: germline. Affected: no.
Comment: BA1

Labcorp Genetics (formerly Invitae), Labcorp
Classification: Benign for Aortic aneurysm, familial thoracic 4. Last evaluated: 2026-01-15. Review status: criteria provided, single submitter. Criteria: Invitae Variant Classification Sherloc (09022015). Collection method: clinical testing. Allele origin: germline.

Mayo Clinic Laboratories, Mayo Clinic
Classification: Benign. Last evaluated: 2022-09-20. Review status: criteria provided, single submitter. Criteria: ACMG Guidelines, 2015. Collection method: clinical testing. Allele origin: germline. Observed: 11 variant alleles.
Comment: BS1, BS2, BP4, BP7

Color Diagnostics, LLC DBA Color Health
Classification: Benign for Familial thoracic aortic aneurysm and aortic dissection. Last evaluated: 2018-07-15. Review status: criteria provided, single submitter. Criteria: ACMG Guidelines, 2015. Collection method: clinical testing. Allele origin: germline.

Ambry Genetics
Classification: Benign for Familial thoracic aortic aneurysm and aortic dissection. Last evaluated: 2015-07-07. Review status: criteria provided, single submitter. Criteria: Ambry Variant Classification Scheme 2023. Collection method: clinical testing. Allele origin: germline.

GeneDx
Classification: Benign. Last evaluated: 2015-03-03. Review status: criteria provided, single submitter. Criteria: GeneDx Variant Classification Process June 2021. Collection method: clinical testing. Allele origin: germline. Affected: yes.

PreventionGenetics, part of Exact Sciences
Classification: Benign for MYH11-related condition. Last evaluated: 2019-02-19. Review status: no assertion criteria provided. Collection method: clinical testing. Allele origin: germline. Not counted in ClinVar's aggregate classification.
Comment: This variant is classified as benign based on ACMG/AMP sequence variant interpretation guidelines (Richards et al. 2015 PMID: 25741868, with internal and published modifications).